The following is an entry in ClinVar:

ClinVar aggregate classification (germline): Uncertain significance. Review status: criteria provided, multiple submitters, no conflicts (2 of 4 stars). 2 submissions from 2 submitters: Uncertain significance (2). Last evaluated 2025-03-03.

Conditions:
Early-infantile DEE. Also called: Early infantile epileptic encephalopathy; Early infantile epileptic encephalopathy with suppression bursts; Ohtahara syndrome. Identifiers: Orphanet 1934, MedGen C0393706, MONDO:0800491.

Submissions (2):

Labcorp Genetics (formerly Invitae), Labcorp
Classification: Uncertain significance for Early-infantile DEE. Last evaluated: 2025-03-03. Review status: criteria provided, single submitter. Criteria: Invitae Variant Classification Sherloc (09022015). Collection method: clinical testing. Allele origin: germline.
Comment: This sequence change replaces asparagine, which is neutral and polar, with threonine, which is neutral and polar, at codon 640 of the SCN8A protein (p.Asn640Thr). This variant is not present in population databases (gnomAD no frequency). This variant has not been reported in the literature in individuals affected with SCN8A-related conditions. ClinVar contains an entry for this variant (Variation ID: 1347312). Invitae Evidence Modeling of protein sequence and biophysical properties (such as structural, functional, and spatial information, amino acid conservation, physicochemical variation, residue mobility, and thermodynamic stability) indicates that this missense variant is not expected to disrupt SCN8A protein function with a negative predictive value of 95%. In summary, the available evidence is currently insufficient to determine the role of this variant in disease. Therefore, it has been classified as a Variant of Uncertain Significance.

GeneDx
Classification: Uncertain significance. Last evaluated: 2022-05-31. Review status: criteria provided, single submitter. Criteria: GeneDx Variant Classification Process June 2021. Collection method: clinical testing. Allele origin: germline. Affected: yes.
Comment: Not observed at significant frequency in large population cohorts (gnomAD); Missense variants in this gene are often considered pathogenic (HGMD); In silico analysis supports that this missense variant has a deleterious effect on protein structure/function; This substitution is predicted to be within the cytoplasmic loop between the first and second homologous domains; Has not been previously published as pathogenic or benign to our knowledge

NM_001330260.2(SCN8A):c.1919A>C (p.Asn640Thr)

Gene: SCN8A (sodium voltage-gated channel alpha subunit 8; plus strand). Cytogenetic location: 12q13.13.
Variant type: single nucleotide variant.
Coding change: c.1919A>C on transcript NM_001330260.2 (MANE Select); coding-DNA position 1919, A replaced by C.
Protein change: p.Asn640Thr; replaces asparagine 640 with threonine.
Molecular consequence: missense variant.
Genome position (GRCh38, 1-based): chr12:51,721,829, A>C. VCF-style: chr12-51721829-A-C. GRCh37 (hg19) VCF-style: chr12-52115613-A-C.
Other names: c.1919A>C, p.Asn640Thr (NM_001177984.3, NM_001369788.1, NM_014191.4); short protein forms N640T.
Identifiers: ClinVar variation 1347312 (VCV001347312.8), dbSNP rs1332024650, ClinGen allele CA385229860.